The following is an entry in ClinVar:

ClinVar aggregate classification (germline): Uncertain significance (1 of 4 stars; one submission).

Conditions:
Neuropathy, hereditary sensory and autonomic, type 2A (HSAN2A). Also called: ACROOSTEOLYSIS, GIACCAI TYPE; ACROOSTEOLYSIS, NEUROGENIC; MORVAN DISEASE; NEUROPATHY, CONGENITAL SENSORY; NEUROPATHY, HEREDITARY SENSORY RADICULAR, AUTOSOMAL RECESSIVE; NEUROPATHY, HEREDITARY SENSORY, TYPE IIA. Identifiers: Orphanet 970, MedGen C2752089, MONDO:0024309, OMIM 201300.
Pseudohypoaldosteronism type 2C (PHA2C). Also called: Pseudohypoaldosteronism Type IIC. Identifiers: Orphanet 757, Orphanet 88940, MedGen C1840391, MONDO:0013778, OMIM 614492.

Allele frequency attached by ClinVar (database versions not stated): ExAC 0.00001; gnomAD exomes 0.00001.
gnomAD v4.1: 11 of 1,614,184 alleles (0.00068%); highest among the groups gnomAD compares: Non-Finnish European, 0.00093%; no homozygotes.

Submission:

Labcorp Genetics (formerly Invitae), Labcorp
Classification: Uncertain significance for Neuropathy, hereditary sensory and autonomic, type 2A; Pseudohypoaldosteronism type 2C. Last evaluated: 2022-12-28. Review status: criteria provided, single submitter. Criteria: Invitae Variant Classification Sherloc (09022015). Collection method: clinical testing. Allele origin: germline.
Comment: Advanced modeling of protein sequence and biophysical properties (such as structural, functional, and spatial information, amino acid conservation, physicochemical variation, residue mobility, and thermodynamic stability) performed at Invitae indicates that this missense variant is not expected to disrupt WNK1 protein function. In summary, the available evidence is currently insufficient to determine the role of this variant in disease. Therefore, it has been classified as a Variant of Uncertain Significance. This variant has not been reported in the literature in individuals affected with WNK1-related conditions. This variant is present in population databases (rs763536137, gnomAD 0.002%). This sequence change replaces alanine, which is neutral and non-polar, with valine, which is neutral and non-polar, at codon 1304 of the WNK1 protein (p.Ala1304Val).

NM_018979.4(WNK1):c.3155C>T (p.Ala1052Val)

Gene: WNK1 (WNK lysine deficient protein kinase 1; plus strand). Cytogenetic location: 12p13.33.
Variant type: single nucleotide variant.
Coding change: c.3155C>T on transcript NM_018979.4 (MANE Select); coding-DNA position 3155, C replaced by T.
Protein change: p.Ala1052Val; replaces alanine 1052 with valine.
Molecular consequence: missense variant.
Genome position (GRCh38, 1-based): chr12:881,735, C>T. VCF-style: chr12-881735-C-T. GRCh37 (hg19) VCF-style: chr12-990901-C-T.
Other names: c.3935C>T, p.Ala1312Val (NM_001184985.2); c.2414C>T, p.Ala805Val (NM_014823.3); c.3911C>T, p.Ala1304Val (NM_213655.5); short protein forms A1312V, A1052V, A1304V, A805V.
Identifiers: ClinVar variation 2939747 (VCV002939747.3), dbSNP rs763536137, ClinGen allele CA6382676.